The following is an entry in ClinVar:

NC_000014.8:g.(?_88399357)_(88417093_88429727)del

Gene: GALC (galactosylceramidase; minus strand). Cytogenetic location: 14q31.3.
Variant type: Deletion.
Identifiers: ClinVar variation 1683226 (VCV001683226.1).

ClinVar aggregate classification (germline): Pathogenic (1 of 4 stars; one submission).

Conditions:
Galactosylceramide beta-galactosidase deficiency. Also called: Leukodystrophy, Globoid Cell; GALACTOCEREBROSIDASE DEFICIENCY; GALC DEFICIENCY; GLOBOID CELL LEUKOENCEPHALOPATHY; Krabbe Disease. Identifiers: Orphanet 487, MedGen C0023521, MONDO:0009499, OMIM 245200.

Submission:

Women's Health and Genetics/Laboratory Corporation of America, LabCorp
Classification: Pathogenic for Galactosylceramide beta-galactosidase deficiency. Last evaluated: 2022-04-26. Review status: criteria provided, single submitter. Criteria: LabCorp Variant Classification Summary - May 2015. Collection method: clinical testing. Allele origin: germline.
Comment: Variant summary: The variant identified by MLPA or other technology involves the deletion of exons 11-17, which includes the last exon in the in the GALC gene. A presumed nomenclature of c.(1161+1_1162-1)_(*1719_?)del has been designated for the purposes of this classification. Although exact breakpoints of this deletion are not known, it is not expected to cause nonsense mediated decay (NMD), but is predicted to cause a large truncation of the encoded protein (removing amino acids 388-685). A large deletion variant (size 31,666 bp; position chr14: 88391506-88423172) was found at a frequency of 0.00037 in 21694 control chromosomes (i.e. 8 heterozygotes) in the gnomAD database, structural variants dataset. This particular large deletion variant is also known as the common Caucasian 30-kb GALC gene deletion (aka. del30kb or c.1161+6532_polyA+9kbdel), and is reported in numerous homozygous- and compound heterozygous patients affected with Krabbe Disease (see e.g. Rafi_1995, Luzi_1995, Luzi_1996, De Gasperi_1996, Kleijer_1997, Tappino_2010, Orsini_2016). In addition, this variant has been also reported in heterozygous form in association with an increased risk for primary open-angle glaucoma, although the clinical significance of this finding is unclear (Liu_2011). A publication reported experimental evidence evaluating an impact on protein function, and demonstrated no measureable GALC activity in cells transfected with a cDNA where all coding sequences beyond exon 10 were removed (Rafi_1995). At least one clinical diagnostic laboratory has submitted clinical-significance assessments for this variant to ClinVar after 2014, and classified the variant as pathogenic. Based on the evidence outlined above, the variant was classified as pathogenic.

Literature cited by the submitters: PubMed 20886637; PubMed 9266397; PubMed 7581365; PubMed 26795590; PubMed 8940268; PubMed 8687180; PubMed 22073273; PubMed 8634707.